The following is an entry in ClinVar:

NM_012210.4(TRIM32):c.868C>T (p.Gln290Ter)

Genes: ASTN2 (astrotactin 2; minus strand), TRIM32 (tripartite motif containing 32; plus strand). Cytogenetic location: 9q33.1.
Variant type: single nucleotide variant.
Coding change: c.868C>T on transcript NM_012210.4 (MANE Select); coding-DNA position 868, C replaced by T.
Protein change: p.Gln290Ter; replaces glutamine 290 with a stop codon.
Molecular consequence: nonsense. On other transcripts: intron variant (3).
Genome position (GRCh38, 1-based): chr9:116,698,610, C>T. VCF-style: chr9-116698610-C-T. GRCh37 (hg19) VCF-style: chr9-119460889-C-T.
Other names: c.868C>T, p.Gln290Ter (NM_001099679.2, NM_001379048.1, NM_001379049.1 and 1 more transcripts); c.2653+27161G>A (NM_014010.5); c.2794+27161G>A (NM_001365069.1); c.2806+27161G>A (NM_001365068.1); short protein forms Q290*.
Identifiers: ClinVar variation 1454351 (VCV001454351.9), dbSNP rs1272966742, ClinGen allele CA374650133.

ClinVar aggregate classification (germline): Pathogenic/Likely pathogenic. Review status: criteria provided, multiple submitters, no conflicts (2 of 4 stars). 2 submissions from 2 submitters: Pathogenic (1); Likely pathogenic (1). Last evaluated 2025-07-14.

Conditions:
TRIM32-related disorder. Also called: TRIM32-related condition.
Bardet-Biedl syndrome (BBS). Identifiers: Orphanet 110, MedGen C0752166, MONDO:0015229.

Allele frequency attached by ClinVar (database versions not stated): gnomAD exomes below 0.00001.
gnomAD v4.1: 3 of 1,614,098 alleles (0.00019%); highest among the groups gnomAD compares: Non-Finnish European, 0.00025%; no homozygotes.

Submissions (2):

PreventionGenetics, part of Exact Sciences
Classification: Likely pathogenic for TRIM32-related condition. Last evaluated: 2025-07-14. Review status: criteria provided, single submitter. Criteria: ACMG Guidelines, 2015. Collection method: clinical testing. Allele origin: germline.
Comment: The TRIM32 c.868C>T variant is predicted to result in premature protein termination (p.Gln290*). To our knowledge, this variant has not been reported in the literature or in a large population database (gnomAD), indicating this variant is rare. Nonsense variants in TRIM32 are expected to be pathogenic. This variant is interpreted as likely pathogenic.

Labcorp Genetics (formerly Invitae), Labcorp
Classification: Pathogenic for Bardet-Biedl syndrome. Last evaluated: 2023-08-28. Review status: criteria provided, single submitter. Criteria: Invitae Variant Classification Sherloc (09022015). Collection method: clinical testing. Allele origin: germline.
Comment: This variant has not been reported in the literature in individuals affected with TRIM32-related conditions. For these reasons, this variant has been classified as Pathogenic. This variant disrupts a region of the TRIM32 protein in which other variant(s) (p.Met370Cysfs*10) have been determined to be pathogenic (Invitae). This suggests that this is a clinically significant region of the protein, and that variants that disrupt it are likely to be disease-causing. ClinVar contains an entry for this variant (Variation ID: 1454351). This variant is not present in population databases (gnomAD no frequency). This sequence change creates a premature translational stop signal (p.Gln290*) in the TRIM32 gene. While this is not anticipated to result in nonsense mediated decay, it is expected to disrupt the last 364 amino acid(s) of the TRIM32 protein.